The following is an entry in ClinVar:

ClinVar aggregate classification (germline): Conflicting classifications of pathogenicity. Review status: criteria provided, conflicting classifications (1 of 4 stars). 7 submissions from 7 submitters: Likely pathogenic (1); Uncertain significance (6). Last evaluated 2025-05-14.

Conditions:
Cardiovascular phenotype. Identifiers: MedGen CN230736.
Cardiomyopathy (CMYO). Also called: Cardiomyopathies. Identifiers: Orphanet 167848, MedGen C0878544, MONDO:0004994, HP:0001638. Inheritance: Various modes of inheritance.
Dilated cardiomyopathy 1S (CMD1S). Identifiers: Orphanet 154, Orphanet 54260, MedGen C1834481, MONDO:0013262, OMIM 613426.
Hypertrophic cardiomyopathy. Also called: HYPERTROPHIC MYOCARDIOPATHY. Identifiers: Orphanet 217569, MedGen C0007194, MeSH D002312, MONDO:0005045, HP:0001639.

Allele frequency attached by ClinVar (database versions not stated): gnomAD exomes below 0.00001.
gnomAD v4.1: 2 of 1,614,160 alleles (0.00012%); highest among the groups gnomAD compares: South Asian, 0.0011%; no homozygotes.

Submissions (7):

Labcorp Genetics (formerly Invitae), Labcorp
Classification: Likely pathogenic for Hypertrophic cardiomyopathy. Last evaluated: 2025-05-14. Review status: criteria provided, single submitter. Criteria: Invitae Variant Classification Sherloc (09022015). Collection method: clinical testing. Allele origin: germline.
Comment: This sequence change replaces alanine, which is neutral and non-polar, with threonine, which is neutral and polar, at codon 1804 of the MYH7 protein (p.Ala1804Thr). This variant is present in population databases (rs730880818, gnomAD 0.0009%). This missense change has been observed in individuals with dilated cardiomyopathy (PMID: 28750076; internal data). ClinVar contains an entry for this variant (Variation ID: 181280). Invitae Evidence Modeling of protein sequence and biophysical properties (such as structural, functional, and spatial information, amino acid conservation, physicochemical variation, residue mobility, and thermodynamic stability) indicates that this missense variant is expected to disrupt MYH7 protein function with a positive predictive value of 95%. In summary, the currently available evidence indicates that the variant is pathogenic, but additional data are needed to prove that conclusively. Therefore, this variant has been classified as Likely Pathogenic.

Victorian Clinical Genetics Services, Murdoch Childrens Research Institute
Classification: Uncertain significance for Dilated cardiomyopathy 1S. Last evaluated: 2024-10-10. Review status: criteria provided, single submitter. Criteria: ACMG Guidelines, 2015. Collection method: clinical testing. Allele origin: germline. Inheritance: Autosomal dominant inheritance. Affected: yes.
Comment: Based on the classification scheme VCGS_Germline_v1.3.5, this variant is classified as VUS-3A. Following criteria are met: 0105 - The mechanism of disease for this gene is not clearly established; however, missense variants have been proposed to act in a dominant negative manner (PMID: 24714796). (I) 0108 - This gene is associated with both recessive and dominant disease. Disease associated with this gene usually has autosomal dominant inheritance; however, a recessive inheritance pattern has been observed in severe cases (OMIM). (I) 0112 - The condition associated with this gene has incomplete penetrance (PMID: 29300372). (I) 0200 - Variant is predicted to result in a missense amino acid change from alanine to threonine. (I) 0251 - This variant is heterozygous. (I) 0304 - Variant is present in gnomAD (v4) <0.01 (2 heterozygotes, 0 homozygotes). (SP) 0502 - Missense variant with conflicting in silico predictions and uninformative conservation. (I) 0600 - Variant is located in the annotated myosin tail domain (DECIPHER). (I) 0710 - Other missense variants comparable to the one identified in this case have inconclusive previous evidence for pathogenicity. Two alternative changes, p.(Ala1804Ser) and p.(Ala1804Gly), have been classified as VUS by clinical laboratories in ClinVar. (I) 0803 - This variant has limited previous evidence of pathogenicity in unrelated individuals. This variant has been classified as a VUS and pathogenic by clinical laboratories in ClinVar. It has also been classified as potentially pathogenic in an individual with DCM, however, it was not considered likely pathogenic in a different cohort with cardiomyopathy (PMIDs: 28750076, 35653365). (I) 0905 - No published segregation evidence has been identified for this variant. (I) 1007 - No published functional evidence has been identified for this variant. (I) 1208 - Inheritance information for this variant is not currently available in this individual. (I) Legend: (SP) - Supporting pathogenic, (I) - Information, (SB) - Supporting benign

Color Diagnostics, LLC DBA Color Health
Classification: Uncertain significance for Cardiomyopathy. Last evaluated: 2024-09-09. Review status: criteria provided, single submitter. Criteria: ACMG Guidelines, 2015. Collection method: clinical testing. Allele origin: germline.
Comment: This missense variant replaces alanine with threonine at codon 1804 of the MYH7 protein. Computational prediction tools indicate that this variant's impact on protein structure and function is inconclusive. To our knowledge, functional studies have not been reported for this variant. This variant has been reported in an individual affected with dilated cardiomyopathy (PMID: 28750076) and in an individual affected with cardiomyopathy (PMID: 35653365). This variant has been identified in 1/251474 chromosomes in the general population by the Genome Aggregation Database (gnomAD). The available evidence is insufficient to determine the role of this variant in disease conclusively. Therefore, this variant is classified as a Variant of Uncertain Significance.

All of Us Research Program, National Institutes of Health
Classification: Uncertain significance for Cardiomyopathy. Last evaluated: 2024-03-05. Review status: criteria provided, single submitter. Criteria: ACMG Guidelines, 2015. Collection method: clinical testing. Allele origin: germline. Inheritance: Autosomal dominant inheritance. Observed: 1 variant allele, 1 heterozygote.
Comment: This study involves interpretation of variants in research participants for the purpose of population health screening. Participant phenotype was not available at the time of variant classification. Additional details can be found in publication PMID: 35346344, PMCID: PMC8962531

Blueprint Genetics
Classification: Uncertain significance. Last evaluated: 2023-09-09. Review status: criteria provided, single submitter. Criteria: ACMG Guidelines, 2015. Collection method: clinical testing. Allele origin: germline.

GeneDx
Classification: Uncertain significance. Last evaluated: 2022-11-02. Review status: criteria provided, single submitter. Criteria: GeneDx Variant Classification Process June 2021. Collection method: clinical testing. Allele origin: germline. Affected: yes.
Comment: Not observed at significant frequency in large population cohorts (gnomAD); In silico analysis supports that this missense variant has a deleterious effect on protein structure/function; Reported in a patient with DCM (Forleo et al., 2017); This variant is associated with the following publications: (PMID: 28750076, 35653365)

Ambry Genetics
Classification: Uncertain significance for Cardiovascular phenotype. Last evaluated: 2021-05-14. Review status: criteria provided, single submitter. Criteria: Ambry Variant Classification Scheme 2023. Collection method: clinical testing. Allele origin: germline.
Comment: The p.A1804T variant (also known as c.5410G>A), located in coding exon 35 of the MYH7 gene, results from a G to A substitution at nucleotide position 5410. The alanine at codon 1804 is replaced by threonine, an amino acid with similar properties. This variant has been detected in an individual reported to have dilated cardiomyopathy; however, details were limited (Forleo C et al. PLoS One, 2017 Jul;12:e0181842). This amino acid position is highly conserved in available vertebrate species. In addition, the in silico prediction for this alteration is inconclusive. Since supporting evidence is limited at this time, the clinical significance of this alteration remains unclear.

Literature cited by the submitters: PubMed 28750076 (cited by 4 submitters); PubMed 24714796 (cited by Victorian Clinical Genetics Services, Murdoch Childrens Research Institute); PubMed 29300372 (cited by Victorian Clinical Genetics Services, Murdoch Childrens Research Institute); PubMed 35653365 (cited by Victorian Clinical Genetics Services, Murdoch Childrens Research Institute and Color Diagnostics, LLC DBA Color Health).

NM_000257.4(MYH7):c.5410G>A (p.Ala1804Thr)

Gene: MYH7 (myosin heavy chain 7; minus strand). Cytogenetic location: 14q11.2.
Variant type: single nucleotide variant.
Coding change: c.5410G>A on transcript NM_000257.4 (MANE Select); coding-DNA position 5410, G replaced by A.
Protein change: p.Ala1804Thr; replaces alanine 1804 with threonine.
Molecular consequence: missense variant.
Genome position (GRCh38, 1-based): chr14:23,415,144, C>T on the plus strand (G>A on the coding strand, the complement: MYH7 is on the minus strand). VCF-style: chr14-23415144-C-T. GRCh37 (hg19) VCF-style: chr14-23884353-C-T.
Other names: p.A1804T:GCC>ACC; c.5410G>A (LRG_384t1); short protein forms A1804T.
Identifiers: ClinVar variation 181280 (VCV000181280.13), dbSNP rs730880818, ClinGen allele CA016102.